The following is an entry in ClinVar:

NM_000179.3(MSH6):c.1816A>C (p.Lys606Gln)

Gene: MSH6 (mutS homolog 6; plus strand). Cytogenetic location: 2p16.3.
Variant type: single nucleotide variant.
Coding change: c.1816A>C on transcript NM_000179.3 (MANE Select); coding-DNA position 1816, A replaced by C.
Protein change: p.Lys606Gln; replaces lysine 606 with glutamine.
Molecular consequence: missense variant. On other transcripts: non-coding transcript variant (4), intron variant (2).
Genome position (GRCh38, 1-based): chr2:47,799,799, A>C. VCF-style: chr2-47799799-A-C. GRCh37 (hg19) VCF-style: chr2-48026938-A-C.
Other names: c.1816A>C, p.Lys606Gln (NM_001406798.1, NM_001406800.1, NM_001406803.1 and 3 more transcripts); c.1291A>C, p.Lys431Gln (NM_001406799.1, NM_001406806.1, NM_001406807.1); c.1912A>C, p.Lys638Gln (NM_001406802.1, NM_001406795.1); c.1519A>C, p.Lys507Gln (NM_001406801.1, NM_001406805.1, NM_001406797.1 and 10 more transcripts); c.1738A>C, p.Lys580Gln (NM_001406804.1); c.910A>C, p.Lys304Gln (NM_001406811.1, NM_001406816.1, NM_001406814.1 and 6 more transcripts); c.1822A>C, p.Lys608Gln (NM_001406813.1); c.1426A>C, p.Lys476Gln (NM_001281492.2); and 3 more; short protein forms K304Q, K606Q, K431Q, K580Q, K476Q, K550Q, K608Q, K507Q.
Identifiers: ClinVar variation 4656778 (VCV004656778.1).

ClinVar aggregate classification (germline): Uncertain significance (1 of 4 stars; one submission).

Conditions:
Hereditary cancer-predisposing syndrome. Also called: Neoplastic Syndromes, Hereditary; Tumor predisposition; Hereditary Cancer Syndrome; Hereditary neoplastic syndrome. Identifiers: Orphanet 140162, MedGen C0027672, MeSH D009386, MONDO:0015356.

Submission:

Ambry Genetics
Classification: Uncertain significance for Hereditary cancer-predisposing syndrome. Last evaluated: 2025-09-26. Review status: criteria provided, single submitter. Criteria: Ambry Variant Classification Scheme 2023. Collection method: clinical testing. Allele origin: germline.
Comment: The p.K606Q variant (also known as c.1816A>C), located in coding exon 4 of the MSH6 gene, results from an A to C substitution at nucleotide position 1816. The lysine at codon 606 is replaced by glutamine, an amino acid with similar properties. This amino acid position is conserved. In addition, this alteration is predicted to be tolerated by in silico analysis. Based on the available evidence, the clinical significance of this variant remains unclear.